The following is an entry in ClinVar:

NM_002067.5(GNA11):c.645G>C (p.Lys215Asn)

Gene: GNA11 (G protein subunit alpha 11; plus strand). Cytogenetic location: 19p13.3.
Variant type: single nucleotide variant.
Coding change: c.645G>C on transcript NM_002067.5 (MANE Select); coding-DNA position 645, G replaced by C.
Protein change: p.Lys215Asn; replaces lysine 215 with asparagine.
Molecular consequence: missense variant.
Genome position (GRCh38, 1-based): chr19:3,118,963, G>C. VCF-style: chr19-3118963-G-C. GRCh37 (hg19) VCF-style: chr19-3118961-G-C.
Other names: short protein forms K215N.
Identifiers: ClinVar variation 1431333 (VCV001431333.8), dbSNP rs1913995254, ClinGen allele CA403310623.
Genomic context (GRCh38, chr19:3,118,963, plus strand): 5'-CCTGGCGCTGTGTCCTTTCAGGATGGTGGATGTGGGGGGCCAGCGGTCGGAGCGGAGGAA[G>C]TGGATCCACTGCTTTGAGAACGTGACATCCATCATGTTTCTCGTCGCCCTCAGCGAATAC-3'
Protein context (NP_002058.2, residues 205-225): DVGGQRSERR[Lys215Asn]WIHCFENVTS

ClinVar aggregate classification (germline): Uncertain significance (1 of 4 stars; one submission).

Submission:

Labcorp Genetics (formerly Invitae), Labcorp
Classification: Uncertain significance. Last evaluated: 2023-10-24. Review status: criteria provided, single submitter. Criteria: Invitae Variant Classification Sherloc (09022015). Collection method: clinical testing. Allele origin: germline.
Comment: This sequence change replaces lysine, which is basic and polar, with asparagine, which is neutral and polar, at codon 215 of the GNA11 protein (p.Lys215Asn). This variant is not present in population databases (gnomAD no frequency). This variant has not been reported in the literature in individuals affected with GNA11-related conditions. ClinVar contains an entry for this variant (Variation ID: 1431333). Advanced modeling of protein sequence and biophysical properties (such as structural, functional, and spatial information, amino acid conservation, physicochemical variation, residue mobility, and thermodynamic stability) performed at Invitae indicates that this missense variant is expected to disrupt GNA11 protein function with a positive predictive value of 80%. In summary, the available evidence is currently insufficient to determine the role of this variant in disease. Therefore, it has been classified as a Variant of Uncertain Significance.